The following is an entry in ClinVar:

ClinVar aggregate classification (germline): Uncertain significance (1 of 4 stars; one submission).

Submission:

GeneDx
Classification: Uncertain significance. Last evaluated: 2023-03-13. Review status: criteria provided, single submitter. Criteria: GeneDx Variant Classification Process June 2021. Collection method: clinical testing. Allele origin: germline. Affected: yes.
Comment: Not observed at significant frequency in large population cohorts (gnomAD); Has not been previously published as pathogenic or benign to our knowledge; Variants in candidate genes are classified as variants of uncertain significance in accordance with ACMG guidelines (Richards et al., 2015); Frameshift variant predicted to result in protein truncation, as the last 102 amino acids are replaced with 41 different amino acids

NM_022098.4(XPNPEP3):c.1215del (p.Lys406fs)

Gene: XPNPEP3 (X-prolyl aminopeptidase 3; plus strand). Cytogenetic location: 22q13.2.
Variant type: Deletion.
Coding change: c.1215del on transcript NM_022098.4 (MANE Select); coding-DNA position 1215, one base deleted (T; older notation c.1215delT).
Protein change: p.Lys406fs; shifts the reading frame from lysine 406.
Molecular consequence: frameshift variant.
Genome position (GRCh38, 1-based): chr22:40,922,492, T deleted; the last of 2 consecutive T bases (chr22:40,922,491-40,922,492); deleting either gives the same sequence. VCF-style (leftmost placement, unchanged base first): chr22-40922490-AT-A. GRCh37 (hg19) VCF-style: chr22-41318494-AT-A.
Other names: short protein forms K406fs.
Identifiers: ClinVar variation 3764200 (VCV003764200.1).